The following is an entry in ClinVar:

NM_006005.3(WFS1):c.2024C>T (p.Pro675Leu)

Gene: WFS1 (wolframin ER transmembrane glycoprotein; plus strand). Cytogenetic location: 4p16.1.
Variant type: single nucleotide variant.
Coding change: c.2024C>T on transcript NM_006005.3 (MANE Select); coding-DNA position 2024, C replaced by T.
Protein change: p.Pro675Leu; replaces proline 675 with leucine.
Molecular consequence: missense variant.
Genome position (GRCh38, 1-based): chr4:6,301,819, C>T. VCF-style: chr4-6301819-C-T. GRCh37 (hg19) VCF-style: chr4-6303546-C-T.
Other names: c.2024C>T, p.Pro675Leu (NM_001145853.1); short protein forms P675L.
Identifiers: ClinVar variation 1374076 (VCV001374076.6), dbSNP rs1730936042, ClinGen allele CA356177554.

ClinVar aggregate classification (germline): Uncertain significance (1 of 4 stars; one submission).

Allele frequency attached by ClinVar (database versions not stated): gnomAD exomes below 0.00001.
gnomAD v4.1: 3 of 1,613,268 alleles (0.00019%); highest among the groups gnomAD compares: Non-Finnish European, 0.00017%; no homozygotes.

Submission:

Labcorp Genetics (formerly Invitae), Labcorp
Classification: Uncertain significance. Last evaluated: 2022-07-12. Review status: criteria provided, single submitter. Criteria: Invitae Variant Classification Sherloc (09022015). Collection method: clinical testing. Allele origin: germline.
Comment: In summary, the available evidence is currently insufficient to determine the role of this variant in disease. Therefore, it has been classified as a Variant of Uncertain Significance. Advanced modeling of protein sequence and biophysical properties (such as structural, functional, and spatial information, amino acid conservation, physicochemical variation, residue mobility, and thermodynamic stability) performed at Invitae indicates that this missense variant is expected to disrupt WFS1 protein function. ClinVar contains an entry for this variant (Variation ID: 1374076). This variant has not been reported in the literature in individuals affected with WFS1-related conditions. This variant is not present in population databases (gnomAD no frequency). This sequence change replaces proline, which is neutral and non-polar, with leucine, which is neutral and non-polar, at codon 675 of the WFS1 protein (p.Pro675Leu).